The following is an entry in ClinVar:

NM_198334.3(GANAB):c.25G>A (p.Ala9Thr)

Gene: GANAB (glucosidase II alpha subunit; minus strand). Cytogenetic location: 11q12.3.
Variant type: single nucleotide variant.
Coding change: c.25G>A on transcript NM_198334.3 (MANE Select); coding-DNA position 25, G replaced by A.
Protein change: p.Ala9Thr; replaces alanine 9 with threonine.
Molecular consequence: missense variant. On other transcripts: 5 prime UTR variant (3).
Genome position (GRCh38, 1-based): chr11:62,646,575, C>T on the plus strand (G>A on the coding strand, the complement: GANAB is on the minus strand). VCF-style: chr11-62646575-C-T. GRCh37 (hg19) VCF-style: chr11-62414047-C-T.
Other names: c.25G>A, p.Ala9Thr (NM_001278192.2, NM_001278193.2, NM_198335.4); c.-158G>A (NM_001278194.2); c.-263G>A (NM_001329223.2); c.-752G>A (NM_001329225.2); short protein forms A9T.
Identifiers: ClinVar variation 2187804 (VCV002187804.4), dbSNP rs755483091, ClinGen allele CA6051258.

ClinVar aggregate classification (germline): Uncertain significance (1 of 4 stars; one submission).

Allele frequency attached by ClinVar (database versions not stated): ExAC 0.00001; gnomAD 0.00002; TOPMed 0.00002.
gnomAD v4.1: 19 of 1,613,632 alleles (0.0012%); highest among the groups gnomAD compares: African/African-American, 0.0027%; no homozygotes.

Submission:

Labcorp Genetics (formerly Invitae), Labcorp
Classification: Uncertain significance. Last evaluated: 2022-06-02. Review status: criteria provided, single submitter. Criteria: Invitae Variant Classification Sherloc (09022015). Collection method: clinical testing. Allele origin: germline.
Comment: This sequence change replaces alanine, which is neutral and non-polar, with threonine, which is neutral and polar, at codon 9 of the GANAB protein (p.Ala9Thr). This variant is present in population databases (rs755483091, gnomAD 0.007%). This variant has not been reported in the literature in individuals affected with GANAB-related conditions. Algorithms developed to predict the effect of missense changes on protein structure and function are either unavailable or do not agree on the potential impact of this missense change (SIFT: "Tolerated"; PolyPhen-2: "Not Available"; Align-GVGD: "Class C0"). In summary, the available evidence is currently insufficient to determine the role of this variant in disease. Therefore, it has been classified as a Variant of Uncertain Significance.